The following is an entry in ClinVar:

NM_003097.6(SNRPN):c.532C>G (p.Pro178Ala)

Genes: SNHG14 (small nucleolar RNA host gene 14; plus strand), SNRPN (small nuclear ribonucleoprotein polypeptide N; plus strand), SNURF (SNRPN upstream open reading frame; plus strand). Cytogenetic location: 15q11.2.
Variant type: single nucleotide variant.
Coding change: c.532C>G on transcript NM_003097.6 (MANE Select); coding-DNA position 532, C replaced by G.
Protein change: p.Pro178Ala; replaces proline 178 with alanine.
Molecular consequence: missense variant. On other transcripts: 3 prime UTR variant (1), non-coding transcript variant (1).
Genome position (GRCh38, 1-based): chr15:24,977,889, C>G. VCF-style: chr15-24977889-C-G. GRCh37 (hg19) VCF-style: chr15-25223036-C-G.
Other names: c.532C>G, p.Pro178Ala (NM_001400710.1, NM_001400712.1, NM_001400713.1 and 99 more transcripts); c.508C>G, p.Pro170Ala (NM_001400767.1, NM_001378256.1, NM_001378257.1); c.268C>G, p.Pro90Ala (NM_001400768.1); c.*720C>G (NM_005678.5); c.544C>G, p.Pro182Ala (NM_001378251.1, NM_001378252.1, NM_001378253.1 and 2 more transcripts); short protein forms P182A, P170A, P90A, P178A.
Identifiers: ClinVar variation 5008327 (VCV005008327.1).
Genomic context (GRCh38, chr15:24,977,889, plus strand): 5'-ACTGCCAGTATTGCTGGAGCCCCAACACAGTACCCACCAGGACGGGGCACTCCGCCCCCA[C>G]CCGTCGGCAGAGCAACCCCACCTCCAGGTAAGGGATTGGTGAACACGAAGACGAACTTGA-3'
Protein context (NP_003088.1, residues 168-188): YPPGRGTPPP[Pro178Ala]VGRATPPPGI

ClinVar aggregate classification (germline): Uncertain significance (1 of 4 stars; one submission).

Submission:

GeneDx
Classification: Uncertain significance. Last evaluated: 2026-03-01. Review status: criteria provided, single submitter. Criteria: GeneDx Variant Classification Process June 2021. Collection method: clinical testing. Allele origin: germline.
Comment: Not observed at significant frequency in large population cohorts (gnomAD); In silico analysis suggests that this missense variant does not alter protein structure/function; Has not been previously published as pathogenic or benign to our knowledge